The following is an entry in ClinVar:

ClinVar aggregate classification (germline): Uncertain significance (1 of 4 stars; one submission).

Conditions:
Charcot-Marie-Tooth disease type 2. Also called: Charcot-Marie-Tooth type 2. Identifiers: Orphanet 64746, MedGen C0270914, MONDO:0018993.

Submission:

Labcorp Genetics (formerly Invitae), Labcorp
Classification: Uncertain significance for Charcot-Marie-Tooth disease type 2. Last evaluated: 2020-03-16. Review status: criteria provided, single submitter. Criteria: Invitae Variant Classification Sherloc (09022015). Collection method: clinical testing. Allele origin: germline.
Comment: This sequence change results in a frameshift in the MED25 gene (p.Pro566Argfs*?). While this is not anticipated to result in nonsense mediated decay, it is expected to disrupt the last 182 amino acids of the MED25 protein and extend the protein by an uncertain number of additional amino acids. The frequency data for this variant in the population databases is considered unreliable, as metrics indicate insufficient coverage at this position in the ExAC database. This variant has not been reported in the literature in individuals with MED25-related conditions. In summary, the available evidence is currently insufficient to determine the role of this variant in disease. Therefore, it has been classified as a Variant of Uncertain Significance.

NM_030973.4(MED25):c.1696_1697del (p.Pro566fs)

Gene: MED25 (mediator complex subunit 25; plus strand). Cytogenetic location: 19q13.33.
Variant type: Deletion.
Coding change: c.1696_1697del on transcript NM_030973.4 (MANE Select); coding-DNA positions 1696 to 1697, 2 bases deleted (CC; older notation c.1696_1697delCC).
Protein change: p.Pro566fs; shifts the reading frame from proline 566.
Molecular consequence: frameshift variant.
Genome position (GRCh38, 1-based): chr19:49,835,555-49,835,556, CC deleted; deleting any 2 consecutive bases within chr19:49,835,552-49,835,556 gives the same sequence; the c. name uses the placement nearest the transcript's 3' end. VCF-style (leftmost placement, unchanged base first): chr19-49835551-ACC-A. GRCh37 (hg19) VCF-style: chr19-50338808-ACC-A.
Other names: c.1696_1697del, p.Pro566fs (NM_001378355.1); short protein forms P566fs.
Identifiers: ClinVar variation 1035496 (VCV001035496.6), dbSNP rs2074089681, ClinGen allele CA2340607798.